The following is an entry in ClinVar:

ClinVar aggregate classification (germline): Uncertain significance (1 of 4 stars; one submission).

Conditions:
Developmental and epileptic encephalopathy, 12 (DEE12). Identifiers: MedGen C3150988, MONDO:0013389, OMIM 613722.

Submission:

Labcorp Genetics (formerly Invitae), Labcorp
Classification: Uncertain significance for Developmental and epileptic encephalopathy, 12. Last evaluated: 2019-06-13. Review status: criteria provided, single submitter. Criteria: Invitae Variant Classification Sherloc (09022015). Collection method: clinical testing. Allele origin: germline.
Comment: In summary, the available evidence is currently insufficient to determine the role of this variant in disease. Therefore, it has been classified as a Variant of Uncertain Significance. Algorithms developed to predict the effect of missense changes on protein structure and function are either unavailable or do not agree on the potential impact of this missense change (SIFT: "Tolerated"; PolyPhen-2: "Probably Damaging"; Align-GVGD: "Class C0"). This variant has not been reported in the literature in individuals with PNKP-related conditions. This variant is present in population databases (rs749769775, ExAC 0.009%). This sequence change replaces serine with asparagine at codon 14 of the PNKP protein (p.Ser14Asn). The serine residue is moderately conserved and there is a small physicochemical difference between serine and asparagine.

NM_007254.4(PNKP):c.41G>A (p.Ser14Asn)

Gene: PNKP (polynucleotide kinase 3'-phosphatase; minus strand). Cytogenetic location: 19q13.33.
Variant type: single nucleotide variant.
Coding change: c.41G>A on transcript NM_007254.4 (MANE Select); coding-DNA position 41, G replaced by A.
Protein change: p.Ser14Asn; replaces serine 14 with asparagine.
Molecular consequence: missense variant.
Genome position (GRCh38, 1-based): chr19:49,867,164, C>T on the plus strand (G>A on the coding strand, the complement: PNKP is on the minus strand). VCF-style: chr19-49867164-C-T. GRCh37 (hg19) VCF-style: chr19-50370421-C-T.
Other names: short protein forms S14N.
Identifiers: ClinVar variation 940237 (VCV000940237.10), dbSNP rs749769775, ClinGen allele CA9587099.
Genomic context (GRCh38, chr19:49,867,164, plus strand): 5'-CCCAGGACCAGGGCTTGCCCGTCCGAGGGCAGGAAGATGGGGGGCGCTCCCCCAGGGGGG[C>T]TCTCGAGCCACAAGCGGCCCGGGGCCTCCACCTCGCCCATCCTGGGTGCCGGCCTGGGGA-3'
Protein context (NP_009185.2, residues 4-24): VEAPGRLWLE[Ser14Asn]PPGGAPPIFL